The following is an entry in ClinVar:

NM_032271.3(TRAF7):c.1668G>A (p.Gln556=)

Gene: TRAF7 (TNF receptor associated factor 7; plus strand). Cytogenetic location: 16p13.3.
Variant type: single nucleotide variant.
Coding change: c.1668G>A on transcript NM_032271.3 (MANE Select); coding-DNA position 1668, G replaced by A.
Protein change: p.Gln556=; no amino-acid change (glutamine 556 retained).
Molecular consequence: synonymous variant.
Genome position (GRCh38, 1-based): chr16:2,175,875, G>A. VCF-style: chr16-2175875-G-A. GRCh37 (hg19) VCF-style: chr16-2225876-G-A.
Other names: c.1668G>A (NM_032271.2).
Identifiers: ClinVar variation 3024827 (VCV003024827.23), dbSNP rs117821778, ClinGen allele CA7835076.

ClinVar aggregate classification (germline): Likely benign. Review status: criteria provided, single submitter (1 of 4 stars). 2 submissions from 2 submitters: Likely benign (1). 1 of the submissions does not count toward it. Last evaluated 2026-09-01.

Conditions:
TRAF7-related disorder. Also called: TRAF7-related condition.

Allele frequency attached by ClinVar (database versions not stated): 1000 Genomes Project 30x 0.00094; TOPMed 0.00112; ESP Exome Variant Server 0.00115; 1000 Genomes Project 0.00120; gnomAD 0.00120; ExAC 0.00134; gnomAD exomes 0.00210.
gnomAD v4.1: 3,203 of 1,613,586 alleles (0.2%); highest among the groups gnomAD compares: Non-Finnish European, 0.23%; 6 homozygotes.

Submissions (2):

CeGaT Center for Human Genetics Tuebingen
Classification: Likely benign. Last evaluated: 2026-09-01. Review status: criteria provided, single submitter. Criteria: CeGaT Center For Human Genetics Tuebingen Variant Classification Criteria Version 2. Collection method: clinical testing. Allele origin: germline. Affected: yes. Observed: 5 variant alleles.
Comment: TRAF7: BS1

PreventionGenetics, part of Exact Sciences
Classification: Likely benign for TRAF7-related condition. Last evaluated: 2019-09-09. Review status: no assertion criteria provided. Collection method: clinical testing. Allele origin: germline. Not counted in ClinVar's aggregate classification.
Comment: This variant is classified as likely benign based on ACMG/AMP sequence variant interpretation guidelines (Richards et al. 2015 PMID: 25741868, with internal and published modifications).